The following is an entry in ClinVar:

ClinVar aggregate classification (germline): Uncertain significance (1 of 4 stars; one submission).

Conditions:
Inborn genetic diseases. Identifiers: MedGen C0950123, MeSH D030342.

Submission:

Ambry Genetics
Classification: Uncertain significance for Inborn genetic diseases. Last evaluated: 2025-09-01. Review status: criteria provided, single submitter. Criteria: Ambry Variant Classification Scheme 2023. Collection method: clinical testing. Allele origin: germline.
Comment: The p.G9R variant (also known as c.25G>C), located in coding exon 1 of the BUB1B gene, results from a G to C substitution at nucleotide position 25. The glycine at codon 9 is replaced by arginine, an amino acid with dissimilar properties. This amino acid position is conserved. In addition, this alteration is predicted to be tolerated by in silico analysis. Based on the available evidence, the clinical significance of this variant remains unclear.

NM_001211.6(BUB1B):c.25G>C (p.Gly9Arg)

Genes: BUB1B (BUB1 mitotic checkpoint serine/threonine kinase B; plus strand), LOC130056830 (ATAC-STARR-seq lymphoblastoid active region 9236; plus strand). Cytogenetic location: 15q15.1.
Variant type: single nucleotide variant.
Coding change: c.25G>C on transcript NM_001211.6 (MANE Select); coding-DNA position 25, G replaced by C.
Protein change: p.Gly9Arg; replaces glycine 9 with arginine.
Molecular consequence: missense variant.
Genome position (GRCh38, 1-based): chr15:40,161,245, G>C. VCF-style: chr15-40161245-G-C. GRCh37 (hg19) VCF-style: chr15-40453446-G-C.
Other names: short protein forms G9R.
Identifiers: ClinVar variation 4216974 (VCV004216974.1).